The following is an entry in ClinVar:

ClinVar aggregate classification (germline): Pathogenic/Likely pathogenic. Review status: criteria provided, multiple submitters, no conflicts (2 of 4 stars). 13 submissions from 12 submitters: Pathogenic (7); Likely pathogenic (2). 4 of the submissions do not count toward it. Last evaluated 2025-12-22.

Conditions:
GUSB-related disorders.
Non-immune hydrops fetalis (NIHF). Also called: Idiopathic hydrops fetalis; Familial non-immune hydrops fetalis; Fetal edema. Identifiers: Orphanet 363999, MedGen C0455988, MONDO:0009369, OMIM 236750, HP:0001790.
Mucopolysaccharidosis type 7 (MPS7). Also called: MPS VII; BETA-GLUCURONIDASE DEFICIENCY; SLY SYNDROME; GUSB DEFICIENCY. Identifiers: Orphanet 584, MedGen C0085132, MONDO:0009662, OMIM 253220.

Allele frequency attached by ClinVar (database versions not stated): TOPMed 0.00001; ExAC 0.00002; gnomAD 0.00002; gnomAD exomes 0.00002.
gnomAD v4.1: 32 of 1,612,622 alleles (0.002%); highest among the groups gnomAD compares: Admixed American, 0.0033%; no homozygotes.

Submissions (13):

Labcorp Genetics (formerly Invitae), Labcorp
Classification: Pathogenic for Mucopolysaccharidosis type 7. Last evaluated: 2025-12-22. Review status: criteria provided, single submitter. Criteria: Invitae Variant Classification Sherloc (09022015). Collection method: clinical testing. Allele origin: germline.
Comment: This sequence change creates a premature translational stop signal (p.Arg357*) in the GUSB gene. It is expected to result in an absent or disrupted protein product. Loss-of-function variants in GUSB are known to be pathogenic (PMID: 19224584). This variant is present in population databases (rs121918185, gnomAD 0.006%). This premature translational stop signal has been observed in individual(s) with mucopolysaccharidosis VII (PMID: 7680524, 19224584). ClinVar contains an entry for this variant (Variation ID: 908). For these reasons, this variant has been classified as Pathogenic.

Genomic Medicine Center of Excellence, King Faisal Specialist Hospital and Research Centre
Classification: Pathogenic for Mucopolysaccharidosis type 7. Last evaluated: 2025-09-10. Review status: criteria provided, single submitter. Criteria: ACMG Guidelines, 2015. Collection method: clinical testing. Allele origin: germline.

Fulgent Genetics
Classification: Pathogenic for Mucopolysaccharidosis type 7. Last evaluated: 2024-05-30. Review status: criteria provided, single submitter. Criteria: ACMG Guidelines, 2015. Collection method: clinical testing. Allele origin: germline.

Blueprint Genetics
Classification: Pathogenic for GUSB-related disorders. Last evaluated: 2023-11-29. Review status: criteria provided, single submitter. Criteria: ACMG Guidelines, 2015. Collection method: clinical testing. Allele origin: germline. Affected: yes. Observed: 3 variant alleles.

GeneDx
Classification: Pathogenic. Last evaluated: 2022-12-13. Review status: criteria provided, single submitter. Criteria: GeneDx Variant Classification Process June 2021. Collection method: clinical testing. Allele origin: germline. Affected: yes.
Comment: Nonsense variant predicted to result in protein truncation or nonsense mediated decay in a gene for which loss-of-function is a known mechanism of disease; Not observed at significant frequency in large population cohorts (gnomAD); This variant is associated with the following publications: (PMID: 25525159, 29620724, 7680524, 26036949, 34645488)

Women's Health and Genetics/Laboratory Corporation of America, LabCorp
Classification: Pathogenic for Mucopolysaccharidosis type 7. Last evaluated: 2020-07-20. Review status: criteria provided, single submitter. Criteria: LabCorp Variant Classification Summary - May 2015. Collection method: clinical testing. Allele origin: germline.
Comment: Variant summary: GUSB c.1069C>T (p.Arg357X) results in a premature termination codon, predicted to cause a truncation of the encoded protein or absence of the protein due to nonsense mediated decay, which are commonly known mechanisms for disease. Truncations downstream of this position have been classified as pathogenic by our laboratory. The variant allele was found at a frequency of 2.4e-05 in 251312 control chromosomes. c.1069C>T has been reported in the literature in multiple individuals affected with Mucopolysaccharidosis Type VII or related disease (Vervoort_1996, Maddirevula_2018). These data indicate that the variant is very likely to be associated with disease. At least one publication reports experimental evidence showing that p.Arg357X affects the normal gene function (Vervoort_1996). Two clinical diagnostic laboratories have submitted clinical-significance assessments for this variant to ClinVar after 2014 without evidence for independent evaluation. Bothlaboratories classified the variant as pathogenic. Based on the evidence outlined above, the variant was classified as pathogenic.

Illumina Laboratory Services, Illumina
Classification: Pathogenic for Mucopolysaccharidosis type 7. Last evaluated: 2017-04-28. Review status: criteria provided, single submitter. Criteria: ICSL Variant Classification Criteria 09 May 2019. Collection method: clinical testing. Allele origin: germline.
Comment: The GUSB c.1069C>T (p.Arg357Ter) variant is a stop-gained variant that has been reported in at least five studies where it is found in a total of nine individuals with mucopolysaccharidosis, type VII, including four in a homozygous state and five in a compound heterozygous state (Shipley et al. 1993; Vervoort et al. 1995; Vervoort et al. 1996; Vervoort et al. 1997; Shamseldin et al. 2015). Three of the homozygous individuals are related, representing a parent and two prenatally diagnosed fetuses. The p.Arg357Ter variant was found to segregate with disease in at least one family (Shipley et al. 1993). Control data are unavailable for this variant, which is reported at a frequency of 0.00003 in the European (non-Finnish) population of the Exome Aggregation Consortium, but this is based on two alleles in a region of good sequencing coverage so the variant is presumed to be rare. Expression of the p.Arg357Ter variant in COS-7 cells resulted in no enzyme activity and analysis of total RNA from cultured fibroblasts revealed reduced amounts of variant mRNA and aberrant bands suggesting aberrant splicing (Shipley et al. 1993; Vervoort et al. 1996). Based on the evidence and the potential impact of stop-gained variants, the p.Arg357Ter variant is classified as pathogenic for mucopolysaccharidosis, type VII. This variant was observed by ICSL as part of a predisposition screen in an ostensibly healthy population.

Genomic Medicine Center of Excellence, King Faisal Specialist Hospital and Research Centre
Classification: Likely pathogenic for Non-Immune hydrops fetalis. Last evaluated: 2014-11-01. Review status: criteria provided, single submitter. Criteria: Submitter's publication. Collection method: research. Allele origin: germline. Affected: yes. Observed: 1 homozygote.

UNC Molecular Genetics  Laboratory, University of North Carolina at Chapel Hill
Classification: Likely pathogenic for Mucopolysaccharidosis type 7. Review status: criteria provided, single submitter. Criteria: ACMG Guidelines, 2015. Collection method: research. Allele origin: germline. Affected: no. Observed: 1 variant allele. Study: NSIGHT-NC NEXUS.
Comment: The GUSB c.1069C>T (p.R357*) nonsense variant is predicted to result in nonsense-mediated decay and/or premature termination of the GUSB protein. This variant has been reported in multiple individuals with mucopolysaccharidosis VII (PMID: 7680524; 8644704; 19224584).

carrier finding

OMIM
Classification: Pathogenic for MUCOPOLYSACCHARIDOSIS, TYPE VII. Last evaluated: 1993-03-01. Review status: no assertion criteria provided. Collection method: literature only. Allele origin: germline. Not counted in ClinVar's aggregate classification.

Clinical Genetics DNA and cytogenetics Diagnostics Lab, Erasmus MC, Erasmus Medical Center
Classification: Pathogenic. Review status: no assertion criteria provided. Collection method: clinical testing. Allele origin: germline. Affected: yes. Study: VKGL Data-share Consensus. Not counted in ClinVar's aggregate classification.

Diagnostic Laboratory, Department of Genetics, University Medical Center Groningen
Classification: Pathogenic. Review status: no assertion criteria provided. Collection method: clinical testing. Allele origin: germline. Affected: yes. Study: VKGL Data-share Consensus. Not counted in ClinVar's aggregate classification.

Joint Genome Diagnostic Labs from Nijmegen and Maastricht, Radboudumc and MUMC+
Classification: Pathogenic. Review status: no assertion criteria provided. Collection method: clinical testing. Allele origin: germline. Affected: yes. Study: VKGL Data-share Consensus. Not counted in ClinVar's aggregate classification.

Literature cited by the submitters: PubMed 19224584 (cited by Labcorp Genetics (formerly Invitae), Labcorp and UNC Molecular Genetics  Laboratory, University of North Carolina at Chapel Hill); PubMed 7680524 (cited by 4 submitters); PubMed 8644704 (cited by 3 submitters); PubMed 29620724 (cited by Women's Health and Genetics/Laboratory Corporation of America, LabCorp); PubMed 26036949 (cited by Illumina Laboratory Services, Illumina); PubMed 9099834 (cited by Illumina Laboratory Services, Illumina); PubMed 7573038 (cited by Illumina Laboratory Services, Illumina).

NM_000181.4(GUSB):c.1069C>T (p.Arg357Ter)

Gene: GUSB (glucuronidase beta; minus strand). Cytogenetic location: 7q11.21.
Variant type: single nucleotide variant.
Coding change: c.1069C>T on transcript NM_000181.4 (MANE Select); coding-DNA position 1069, C replaced by T.
Protein change: p.Arg357Ter; replaces arginine 357 with a stop codon.
Molecular consequence: nonsense. On other transcripts: non-coding transcript variant (1).
Genome position (GRCh38, 1-based): chr7:65,974,701, G>A on the plus strand (C>T on the coding strand, the complement: GUSB is on the minus strand). VCF-style: chr7-65974701-G-A. GRCh37 (hg19) VCF-style: chr7-65439688-G-A.
Other names: R356*; c.631C>T, p.Arg211Ter (NM_001284290.2); c.499C>T, p.Arg167Ter (NM_001293104.2); c.412C>T, p.Arg138Ter (NM_001293105.2); short protein forms R357*, R211*, R138*, R167*.
Identifiers: ClinVar variation 908 (VCV000000908.25), dbSNP rs121918185, ClinGen allele CA199717.
Genomic context (GRCh38, chr7:65,974,701, plus strand): 5'-CAAGCCAGCGAAGCAGGTTGAAGTCCTTCACCAGCAGCGGCCAGTCGAAGCCCTTCCCTC[G>A]GATCTAGGAGATAGCAGAGCCAAGTGACCCCTGTCCCTGTCGAAGCTGCACTTCCTCTGA-3'